The following is an entry in ClinVar:

NM_001006658.3(CR2):c.2716+2T>C

Gene: CR2 (complement C3d receptor 2; plus strand). Cytogenetic location: 1q32.2.
Variant type: single nucleotide variant.
Coding change: c.2716+2T>C on transcript NM_001006658.3 (MANE Select); the canonical splice donor site of the intron after coding-DNA position 2716, T replaced by C.
Molecular consequence: splice donor variant.
Genome position (GRCh38, 1-based): chr1:207,475,218, T>C. VCF-style: chr1-207475218-T-C. GRCh37 (hg19) VCF-style: chr1-207648563-T-C.
Other names: c.2539+2T>C (NM_001877.5).
Identifiers: ClinVar variation 1508555 (VCV001508555.8), dbSNP rs2102307813, ClinGen allele CA344539578.

ClinVar aggregate classification (germline): Likely pathogenic (1 of 4 stars; one submission).

Conditions:
Immunodeficiency, common variable, 7. Identifiers: Orphanet 1572, Orphanet 696894, MedGen C3542922, MONDO:0013862, OMIM 614699.

Allele frequency attached by ClinVar (database versions not stated): gnomAD exomes 0.00001.
gnomAD v4.1: 10 of 1,613,904 alleles (0.00062%); highest among the groups gnomAD compares: Non-Finnish European, 0.00085%; no homozygotes.

Submission:

Labcorp Genetics (formerly Invitae), Labcorp
Classification: Likely pathogenic for Immunodeficiency, common variable, 7. Last evaluated: 2023-01-27. Review status: criteria provided, single submitter. Criteria: Invitae Variant Classification Sherloc (09022015). Collection method: clinical testing. Allele origin: germline.
Comment: In summary, the currently available evidence indicates that the variant is pathogenic, but additional data are needed to prove that conclusively. Therefore, this variant has been classified as Likely Pathogenic. Algorithms developed to predict the effect of sequence changes on RNA splicing suggest that this variant may disrupt the consensus splice site. ClinVar contains an entry for this variant (Variation ID: 1508555). This variant has not been reported in the literature in individuals affected with CR2-related conditions. This variant is not present in population databases (gnomAD no frequency). This sequence change affects a donor splice site in intron 14 of the CR2 gene. It is expected to disrupt RNA splicing. Variants that disrupt the donor or acceptor splice site typically lead to a loss of protein function (PMID: 16199547), and loss-of-function variants in CR2 are known to be pathogenic (PMID: 26325596, 28499783).

Literature cited by the submitters: PubMed 16199547; PubMed 26325596; PubMed 28499783.